The following is an entry in ClinVar:

NM_170606.3(KMT2C):c.791A>G (p.Gln264Arg)

Gene: KMT2C (lysine methyltransferase 2C; minus strand). Cytogenetic location: 7q36.1.
Variant type: single nucleotide variant.
Coding change: c.791A>G on transcript NM_170606.3 (MANE Select); coding-DNA position 791, A replaced by G.
Protein change: p.Gln264Arg; replaces glutamine 264 with arginine.
Molecular consequence: missense variant.
Genome position (GRCh38, 1-based): chr7:152,310,024, T>C on the plus strand (A>G on the coding strand, the complement: KMT2C is on the minus strand). VCF-style: chr7-152310024-T-C. GRCh37 (hg19) VCF-style: chr7-152007109-T-C.
Other names: short protein forms Q264R.
Identifiers: ClinVar variation 4992401 (VCV004992401.1).

ClinVar aggregate classification (germline): Uncertain significance (1 of 4 stars; one submission).

Conditions:
KMT2C-related disorder. Also called: KMT2C-related condition; KMT2C-related disorders.

Submission:

PreventionGenetics, part of Exact Sciences
Classification: Uncertain significance for KMT2C-related condition. Last evaluated: 2025-09-25. Review status: criteria provided, single submitter. Criteria: ACMG Guidelines, 2015. Collection method: clinical testing. Allele origin: germline.
Comment: The KMT2C c.791A>G variant is predicted to result in the amino acid substitution p.Gln264Arg. To our knowledge, this variant has not been reported in the literature or in a large population database (gnomAD), indicating this variant is rare. At this time, the clinical significance of this variant is uncertain due to the absence of conclusive functional and genetic evidence.